The following is an entry in ClinVar:

ClinVar aggregate classification (germline): Likely benign. Review status: criteria provided, single submitter (1 of 4 stars). 2 submissions from 2 submitters: Likely benign (1). 1 of the submissions does not count toward it. Last evaluated 2025-11-12.

Conditions:
DSTYK-related disorder. Also called: DSTYK-related condition.

Allele frequency attached by ClinVar (database versions not stated): gnomAD exomes 0.00007; ExAC 0.00016; ESP Exome Variant Server 0.00031; 1000 Genomes Project 0.00060; gnomAD 0.00060; 1000 Genomes Project 30x 0.00062; TOPMed 0.00065.
gnomAD v4.1: 206 of 1,613,748 alleles (0.013%); highest among the groups gnomAD compares: African/African-American, 0.24%; no homozygotes.

Submissions (2):

Labcorp Genetics (formerly Invitae), Labcorp
Classification: Likely benign. Last evaluated: 2025-11-12. Review status: criteria provided, single submitter. Criteria: Invitae Variant Classification Sherloc (09022015). Collection method: clinical testing. Allele origin: germline.

PreventionGenetics, part of Exact Sciences
Classification: Likely benign for DSTYK-related condition. Last evaluated: 2022-08-01. Review status: no assertion criteria provided. Collection method: clinical testing. Allele origin: germline. Not counted in ClinVar's aggregate classification.
Comment: This variant is classified as likely benign based on ACMG/AMP sequence variant interpretation guidelines (Richards et al. 2015 PMID: 25741868, with internal and published modifications).

NM_015375.3(DSTYK):c.2747C>T (p.Ser916Phe)

Gene: DSTYK (dual serine/threonine and tyrosine protein kinase; minus strand). Cytogenetic location: 1q32.1.
Variant type: single nucleotide variant.
Coding change: c.2747C>T on transcript NM_015375.3 (MANE Select); coding-DNA position 2747, C replaced by T.
Protein change: p.Ser916Phe; replaces serine 916 with phenylalanine.
Molecular consequence: missense variant.
Genome position (GRCh38, 1-based): chr1:205,147,601, G>A on the plus strand (C>T on the coding strand, the complement: DSTYK is on the minus strand). VCF-style: chr1-205147601-G-A. GRCh37 (hg19) VCF-style: chr1-205116729-G-A.
Other names: c.2612C>T, p.Ser871Phe (NM_199462.3); c.2747C>T (NM_015375.2); short protein forms S871F, S916F.
Identifiers: ClinVar variation 2071647 (VCV002071647.6), dbSNP rs151054719, ClinGen allele CA1352512.
Genomic context (GRCh38, chr1:205,147,601, plus strand): 5'-GAGAAAGGTCTTTGCTTTCAAGTAGAATCATCTAGTCCTCTGTTTGGCTGCTCAGAATTG[G>A]ACTTGCAGAGCCGATTCATGATGCCCTGGAGCATGGGCTGGACAATGCCCAAGAGAGGCC-3'
Protein context (NP_056190.1, residues 906-926): LQGIMNRLCK[Ser916Phe]NSEQPNRGLD